The following is an entry in ClinVar:

ClinVar aggregate classification (germline): Uncertain significance. Review status: criteria provided, multiple submitters, no conflicts (2 of 4 stars). 2 submissions from 2 submitters: Uncertain significance (2). Last evaluated 2025-11-20.

Conditions:
Inborn genetic diseases. Identifiers: MedGen C0950123, MeSH D030342.

Allele frequency attached by ClinVar (database versions not stated): ExAC 0.00001; gnomAD exomes 0.00001; TOPMed 0.00001; ESP Exome Variant Server 0.00008.
gnomAD v4.1: 11 of 1,613,698 alleles (0.00068%); highest among the groups gnomAD compares: Non-Finnish European, 0.00093%; no homozygotes.

Submissions (2):

Labcorp Genetics (formerly Invitae), Labcorp
Classification: Uncertain significance. Last evaluated: 2025-11-20. Review status: criteria provided, single submitter. Criteria: Invitae Variant Classification Sherloc (09022015). Collection method: clinical testing. Allele origin: germline.
Comment: This sequence change replaces alanine, which is neutral and non-polar, with threonine, which is neutral and polar, at codon 2046 of the DNAH9 protein (p.Ala2046Thr). The frequency data for this variant in the population databases is considered unreliable, as metrics indicate poor data quality at this position in the gnomAD database. This variant has not been reported in the literature in individuals affected with DNAH9-related conditions. ClinVar contains an entry for this variant (Variation ID: 2334976). Invitae Evidence Modeling of protein sequence and biophysical properties (such as structural, functional, and spatial information, amino acid conservation, physicochemical variation, residue mobility, and thermodynamic stability) has been performed for this missense variant. However, the output from this modeling did not meet the statistical confidence thresholds required to predict the impact of this variant on DNAH9 protein function. In summary, the available evidence is currently insufficient to determine the role of this variant in disease. Therefore, it has been classified as a Variant of Uncertain Significance.

Ambry Genetics
Classification: Uncertain significance for Inborn genetic diseases. Last evaluated: 2022-12-14. Review status: criteria provided, single submitter. Criteria: Ambry Variant Classification Scheme 2023. Collection method: clinical testing. Allele origin: germline.

NM_001372.4(DNAH9):c.6136G>A (p.Ala2046Thr)

Gene: DNAH9 (dynein axonemal heavy chain 9; plus strand). Cytogenetic location: 17p12.
Variant type: single nucleotide variant.
Coding change: c.6136G>A on transcript NM_001372.4 (MANE Select); coding-DNA position 6136, G replaced by A.
Protein change: p.Ala2046Thr; replaces alanine 2046 with threonine.
Molecular consequence: missense variant.
Genome position (GRCh38, 1-based): chr17:11,744,821, G>A. VCF-style: chr17-11744821-G-A. GRCh37 (hg19) VCF-style: chr17-11648138-G-A.
Other names: short protein forms A2046T.
Identifiers: ClinVar variation 2334976 (VCV002334976.3), dbSNP rs371297861, ClinGen allele CA8396228.